The following is an entry in ClinVar:

NM_004068.4(AP2M1):c.1102G>A (p.Ala368Thr)

Gene: AP2M1 (adaptor related protein complex 2 subunit mu 1; plus strand). Cytogenetic location: 3q27.1.
Variant type: single nucleotide variant.
Coding change: c.1102G>A on transcript NM_004068.4 (MANE Select); coding-DNA position 1102, G replaced by A.
Protein change: p.Ala368Thr; replaces alanine 368 with threonine.
Molecular consequence: missense variant.
Genome position (GRCh38, 1-based): chr3:184,182,797, G>A. VCF-style: chr3-184182797-G-A. GRCh37 (hg19) VCF-style: chr3-183900585-G-A.
Other names: c.1096G>A, p.Ala366Thr (NM_001025205.2); c.1177G>A, p.Ala393Thr (NM_001311198.2); short protein forms A393T, A368T, A366T.
Identifiers: ClinVar variation 1923559 (VCV001923559.5), dbSNP rs902011278, ClinGen allele CA88863189.
Genomic context (GRCh38, chr3:184,182,797, plus strand): 5'-CATTGTCCCTGTGTTCCCAGGATCAAGCGCATGGCAGGCATGAAGGAATCGCAGATCAGC[G>A]CAGAGATTGAGCTTCTGCCTACCAACGACAAGAAGAAATGGGCTCGACCCCCCATTTCCA-3'
Protein context (NP_004059.2, residues 358-378): MAGMKESQIS[Ala368Thr]EIELLPTNDK

ClinVar aggregate classification (germline): Uncertain significance (1 of 4 stars; one submission).

Allele frequency attached by ClinVar (database versions not stated): gnomAD exomes below 0.00001.
gnomAD v4.1: 3 of 1,614,108 alleles (0.00019%); highest among the groups gnomAD compares: Non-Finnish European, 0.00025%; no homozygotes.

Submission:

Labcorp Genetics (formerly Invitae), Labcorp
Classification: Uncertain significance. Last evaluated: 2022-05-07. Review status: criteria provided, single submitter. Criteria: Invitae Variant Classification Sherloc (09022015). Collection method: clinical testing. Allele origin: germline.
Comment: In summary, the available evidence is currently insufficient to determine the role of this variant in disease. Therefore, it has been classified as a Variant of Uncertain Significance. This sequence change replaces alanine, which is neutral and non-polar, with threonine, which is neutral and polar, at codon 368 of the AP2M1 protein (p.Ala368Thr). This variant is not present in population databases (gnomAD no frequency). This variant has not been reported in the literature in individuals affected with AP2M1-related conditions. Algorithms developed to predict the effect of missense changes on protein structure and function are either unavailable or do not agree on the potential impact of this missense change (SIFT: "Deleterious"; PolyPhen-2: "Benign"; Align-GVGD: "Class C0").